The following is an entry in ClinVar:

ClinVar aggregate classification (germline): Uncertain significance (1 of 4 stars; one submission).

Submission:

Labcorp Genetics (formerly Invitae), Labcorp
Classification: Uncertain significance. Last evaluated: 2024-06-03. Review status: criteria provided, single submitter. Criteria: Invitae Variant Classification Sherloc (09022015). Collection method: clinical testing. Allele origin: germline.
Comment: This sequence change replaces phenylalanine, which is neutral and non-polar, with valine, which is neutral and non-polar, at codon 1825 of the MYH3 protein (p.Phe1825Val). This variant is not present in population databases (gnomAD no frequency). This variant has not been reported in the literature in individuals affected with MYH3-related conditions. Advanced modeling of protein sequence and biophysical properties (such as structural, functional, and spatial information, amino acid conservation, physicochemical variation, residue mobility, and thermodynamic stability) performed at Invitae indicates that this missense variant is not expected to disrupt MYH3 protein function with a negative predictive value of 95%. In summary, the available evidence is currently insufficient to determine the role of this variant in disease. Therefore, it has been classified as a Variant of Uncertain Significance.

NM_002470.4(MYH3):c.5473T>G (p.Phe1825Val)

Gene: MYH3 (myosin heavy chain 3; minus strand). Cytogenetic location: 17p13.1.
Variant type: single nucleotide variant.
Coding change: c.5473T>G on transcript NM_002470.4 (MANE Select); coding-DNA position 5473, T replaced by G.
Protein change: p.Phe1825Val; replaces phenylalanine 1825 with valine.
Molecular consequence: missense variant.
Genome position (GRCh38, 1-based): chr17:10,630,181, A>C on the plus strand (T>G on the coding strand, the complement: MYH3 is on the minus strand). VCF-style: chr17-10630181-A-C. GRCh37 (hg19) VCF-style: chr17-10533498-A-C.
Other names: short protein forms F1825V.
Identifiers: ClinVar variation 2808759 (VCV002808759.3), dbSNP rs2074140828, ClinGen allele CA398130771.